The following is an entry in ClinVar:

NM_000238.4(KCNH2):c.5C>T (p.Pro2Leu)

Gene: KCNH2 (potassium voltage-gated channel subfamily H member 2; minus strand). Cytogenetic location: 7q36.1.
Variant type: single nucleotide variant.
Coding change: c.5C>T on transcript NM_000238.4 (MANE Select); coding-DNA position 5, C replaced by T.
Protein change: p.Pro2Leu; replaces proline 2 with leucine.
Molecular consequence: missense variant.
Genome position (GRCh38, 1-based): chr7:150,977,909, G>A on the plus strand (C>T on the coding strand, the complement: KCNH2 is on the minus strand). VCF-style: chr7-150977909-G-A. GRCh37 (hg19) VCF-style: chr7-150674997-G-A.
Other names: c.5C>T, p.Pro2Leu (NM_172056.3); short protein forms P2L.
Identifiers: ClinVar variation 2048641 (VCV002048641.4), dbSNP rs2486167541, ClinGen allele CA369866785.

ClinVar aggregate classification (germline): Uncertain significance (1 of 4 stars; one submission).

Conditions:
Long QT syndrome (LQTS). Identifiers: MedGen C0023976, MeSH D008133, MONDO:0002442. Disease mechanism: loss of function. Inheritance: Various modes of inheritance.

Submission:

Labcorp Genetics (formerly Invitae), Labcorp
Classification: Uncertain significance for Long QT syndrome. Last evaluated: 2023-07-20. Review status: criteria provided, single submitter. Criteria: Invitae Variant Classification Sherloc (09022015). Collection method: clinical testing. Allele origin: germline.
Comment: This sequence change replaces proline, which is neutral and non-polar, with leucine, which is neutral and non-polar, at codon 2 of the KCNH2 protein (p.Pro2Leu). This variant is not present in population databases (gnomAD no frequency). In summary, the available evidence is currently insufficient to determine the role of this variant in disease. Therefore, it has been classified as a Variant of Uncertain Significance. An algorithm developed to predict the effect of missense changes on protein structure and function (PolyPhen-2) suggests that this variant is likely to be disruptive. ClinVar contains an entry for this variant (Variation ID: 2048641). This variant has not been reported in the literature in individuals affected with KCNH2-related conditions.